The following is an entry in ClinVar:

NM_016356.5(DCDC2):c.1249C>T (p.Gln417Ter)

Gene: DCDC2 (doublecortin domain containing 2; minus strand). Cytogenetic location: 6p22.3.
Variant type: single nucleotide variant.
Coding change: c.1249C>T on transcript NM_016356.5 (MANE Select); coding-DNA position 1249, C replaced by T.
Protein change: p.Gln417Ter; replaces glutamine 417 with a stop codon.
Molecular consequence: nonsense.
Genome position (GRCh38, 1-based): chr6:24,178,407, G>A on the plus strand (C>T on the coding strand, the complement: DCDC2 is on the minus strand). VCF-style: chr6-24178407-G-A. GRCh37 (hg19) VCF-style: chr6-24178635-G-A.
Other names: c.1249C>T, p.Gln417Ter (NM_001195610.2); short protein forms Q417*.
Identifiers: ClinVar variation 3352399 (VCV003352399.1).

ClinVar aggregate classification (germline): Likely pathogenic (0 of 4 stars; one submission).

Conditions:
DCDC2-related disorder. Also called: DCDC2-related condition.

gnomAD v4.1: 2 of 1,614,156 alleles (0.00012%); highest among the groups gnomAD compares: African/African-American, 0.0027%; no homozygotes.

Submission:

PreventionGenetics, part of Exact Sciences
Classification: Likely pathogenic for DCDC2-related condition. Last evaluated: 2024-07-12. Review status: no assertion criteria provided. Collection method: clinical testing. Allele origin: germline.
Comment: The DCDC2 c.1249C>T variant is predicted to result in premature protein termination (p.Gln417*). To our knowledge, this variant has not been reported in the literature or in a large population database, indicating this variant is rare. Although this early termination change is in the penultimate exon, a homozygous deletion of this exon has been reported in an individual with neonatal sclerosing cholangitis (Supplemental Table 1, Cheema et al. 2020. PubMed ID: 33083013). This variant is interpreted as likely pathogenic.